The following is an entry in ClinVar:

NM_020937.4(FANCM):c.2003-3T>C

Gene: FANCM (FA complementation group M; plus strand). Cytogenetic location: 14q21.2.
Variant type: single nucleotide variant.
Coding change: c.2003-3T>C on transcript NM_020937.4 (MANE Select); 3 bases into the intron before coding-DNA position 2003, T replaced by C.
Molecular consequence: intron variant.
Genome position (GRCh38, 1-based): chr14:45,170,586, T>C. VCF-style: chr14-45170586-T-C. GRCh37 (hg19) VCF-style: chr14-45639789-T-C.
Other names: c.1925-3T>C (NM_001308133.2).
Identifiers: ClinVar variation 837924 (VCV000837924.10), dbSNP rs777799598, ClinGen allele CA7169221.

ClinVar aggregate classification (germline): Uncertain significance. Review status: criteria provided, multiple submitters, no conflicts (2 of 4 stars). 4 submissions from 4 submitters: Uncertain significance (3). 1 of the submissions does not count toward it. Last evaluated 2025-01-02.

Conditions:
Fanconi anemia (FA). Also called: Fanconi's anemia. Identifiers: Orphanet 84, MedGen C0015625, MeSH D005199, MONDO:0019391.
Spermatogenic failure 28. Identifiers: MedGen C4748117, MONDO:0054732, OMIM 618086.
FANCM-related disorder. Also called: FANCM-related condition.

Allele frequency attached by ClinVar (database versions not stated): gnomAD exomes 0.00002 and 0.00003; ExAC 0.00003; gnomAD 0.00014 and 0.00016; TOPMed 0.00028.
gnomAD v4.1: 67 of 1,589,482 alleles (0.0042%); highest among the groups gnomAD compares: Admixed American, 0.039%; no homozygotes.

Submissions (4):

Labcorp Genetics (formerly Invitae), Labcorp
Classification: Uncertain significance for Fanconi anemia. Last evaluated: 2025-01-02. Review status: criteria provided, single submitter. Criteria: Invitae Variant Classification Sherloc (09022015). Collection method: clinical testing. Allele origin: germline.
Comment: This sequence change falls in intron 11 of the FANCM gene. It does not directly change the encoded amino acid sequence of the FANCM protein. It affects a nucleotide within the consensus splice site. This variant is present in population databases (rs777799598, gnomAD 0.01%). This variant has not been reported in the literature in individuals affected with FANCM-related conditions. ClinVar contains an entry for this variant (Variation ID: 837924). Variants that disrupt the consensus splice site are a relatively common cause of aberrant splicing (PMID: 17576681, 9536098). Algorithms developed to predict the effect of sequence changes on RNA splicing suggest that this variant is not likely to affect RNA splicing. In summary, the available evidence is currently insufficient to determine the role of this variant in disease. Therefore, it has been classified as a Variant of Uncertain Significance.

Quest Diagnostics Nichols Institute San Juan Capistrano
Classification: Uncertain significance. Last evaluated: 2023-05-23. Review status: criteria provided, single submitter. Criteria: Quest Diagnostics criteria. Collection method: clinical testing. Allele origin: unknown.
Comment: To the best of our knowledge, this variant has not been reported in the published literature. The frequency of this variant in the general population, 0.000032 (9/279972 chromosomes (Genome Aggregation Database)), is uninformative in the assessment of its pathogenicity. Analysis of this variant using software algorithms for the prediction of the effect of nucleotide changes on splicing yielded predictions that this variant does not affect FANCM mRNA splicing . Based on the available information, we are unable to determine the clinical significance of this variant.

Baylor Genetics
Classification: Uncertain significance for Spermatogenic failure 28. Last evaluated: 2020-12-12. Review status: criteria provided, single submitter. Criteria: ACMG Guidelines, 2015. Collection method: clinical testing. Allele origin: unknown. Affected: yes. Study: CSER-TexasKidsCanSeq.
Comment: This variant was determined to be of uncertain significance according to ACMG Guidelines, 2015 [PMID:25741868].

PreventionGenetics, part of Exact Sciences
Classification: Likely benign for FANCM-related condition. Last evaluated: 2024-04-18. Review status: no assertion criteria provided. Collection method: clinical testing. Allele origin: germline. Not counted in ClinVar's aggregate classification.
Comment: This variant is classified as likely benign based on ACMG/AMP sequence variant interpretation guidelines (Richards et al. 2015 PMID: 25741868, with internal and published modifications).

Literature cited by the submitters: PubMed 17576681 (cited by Labcorp Genetics (formerly Invitae), Labcorp); PubMed 9536098 (cited by Labcorp Genetics (formerly Invitae), Labcorp).